The following is an entry in ClinVar:

ClinVar aggregate classification (germline): Benign/Likely benign. Review status: criteria provided, multiple submitters, no conflicts (2 of 4 stars). 13 submissions from 13 submitters: Benign (9); Likely benign (3). 1 of the submissions does not count toward it. Last evaluated 2026-09-01.

Conditions:
Hereditary cancer-predisposing syndrome. Also called: Neoplastic Syndromes, Hereditary; Tumor predisposition; Hereditary Cancer Syndrome; Hereditary neoplastic syndrome. Identifiers: Orphanet 140162, MedGen C0027672, MeSH D009386, MONDO:0015356.
Tuberous sclerosis syndrome (TSC). Also called: Tuberous Sclerosis Complex; Tuberous sclerosis. Identifiers: Orphanet 805, MedGen C0041341, MONDO:0001734.
Tuberous sclerosis 2 (TSC2). Identifiers: Orphanet 805, MedGen C1860707, MONDO:0013199, OMIM 613254.

Allele frequency attached by ClinVar (database versions not stated): 1000 Genomes Project 0.00040; 1000 Genomes Project 30x 0.00047; ExAC 0.00280; gnomAD exomes 0.00281 and 0.00474; gnomAD 0.00349 and 0.00356; TOPMed 0.00355; ESP Exome Variant Server 0.00423.
gnomAD v4.1: 7,460 of 1,605,828 alleles (0.46%); highest among the groups gnomAD compares: Non-Finnish European, 0.56%; 26 homozygotes.

Submissions (13):

CeGaT Center for Human Genetics Tuebingen
Classification: Benign. Last evaluated: 2026-09-01. Review status: criteria provided, single submitter. Criteria: CeGaT Center For Human Genetics Tuebingen Variant Classification Criteria Version 2. Collection method: clinical testing. Allele origin: germline. Affected: yes. Observed: 67 variant alleles.
Comment: TSC2: BS1, BS2

Labcorp Genetics (formerly Invitae), Labcorp
Classification: Benign for Tuberous sclerosis 2. Last evaluated: 2026-01-26. Review status: criteria provided, single submitter. Criteria: Invitae Variant Classification Sherloc (09022015). Collection method: clinical testing. Allele origin: germline.

Laboratorio de I+D, Fundación Centro Médico de Asturias
Classification: Benign for Hereditary cancer-predisposing syndrome. Last evaluated: 2025-07-22. Review status: criteria provided, single submitter. Criteria: ACMG Guidelines, 2015. Collection method: clinical testing. Allele origin: germline.
Comment: BS1+BS2+BP4_Strong

ARUP Laboratories, Molecular Genetics and Genomics, ARUP Laboratories
Classification: Benign. Last evaluated: 2025-03-04. Review status: criteria provided, single submitter. Criteria: ARUP Molecular Germline Variant Investigation Process 2024. Collection method: clinical testing. Allele origin: germline.

KCCC/NGS Laboratory, Kuwait Cancer Control Center
Classification: Benign for Tuberous sclerosis 2. Last evaluated: 2023-07-07. Review status: criteria provided, single submitter. Criteria: ACMG Guidelines, 2015. Collection method: clinical testing. Allele origin: germline. Affected: yes.

Sema4
Classification: Benign for Hereditary cancer-predisposing syndrome. Last evaluated: 2020-08-28. Review status: criteria provided, single submitter. Criteria: Sema4 Curation Guidelines. Collection method: curation. Allele origin: germline.

GeneDx
Classification: Likely benign. Last evaluated: 2018-01-31. Review status: criteria provided, single submitter. Criteria: GeneDx Variant Classification (06012015). Collection method: clinical testing. Allele origin: germline. Affected: yes.
Comment: This variant is considered likely benign or benign based on one or more of the following criteria: it is a conservative change, it occurs at a poorly conserved position in the protein, it is predicted to be benign by multiple in silico algorithms, and/or has population frequency not consistent with disease.

Eurofins Ntd Llc (ga)
Classification: Benign. Last evaluated: 2017-04-17. Review status: criteria provided, single submitter. Criteria: EGL Classification Definitions 2015. Collection method: clinical testing. Allele origin: germline. Observed: 1 variant allele, 1 heterozygote.

Center for Pediatric Genomic Medicine, Children's Mercy Hospital and Clinics
Classification: Benign. Last evaluated: 2016-11-07. Review status: criteria provided, single submitter. Criteria: ACMG Guidelines, 2015. Collection method: clinical testing. Allele origin: germline.

Laboratory for Molecular Medicine, Mass General Brigham Personalized Medicine
Classification: Likely benign. Last evaluated: 2016-04-25. Review status: criteria provided, single submitter. Criteria: LMM Criteria. Collection method: clinical testing. Allele origin: germline.
Comment: Variant identified in a genome or exome case(s) and assessed due to predicted null impact of the variant or pathogenic assertions in the literature or databases. Disclaimer: This variant has not undergone full assessment. The following are preliminary notes: ExAC: 0.4% (277/64542) European chromosomes

Breakthrough Genomics
Classification: Likely benign. Review status: criteria provided, single submitter. Criteria: ACMG Guidelines, 2015. Collection method: not provided. Allele origin: germline. Inheritance: Autosomal dominant inheritance. Affected: yes.

PreventionGenetics, part of Exact Sciences
Classification: Benign. Review status: criteria provided, single submitter. Criteria: ACMG Guidelines, 2015. Collection method: clinical testing. Allele origin: germline.

Tuberous sclerosis database (TSC2)
No classification provided. Condition: TSC. Review status: no classification provided. Criteria: Tuberous Sclerosis Database Assertion Criteria 2015. Collection method: curation. Allele origin: germline. Affected: yes. Not counted in ClinVar's aggregate classification.

NM_000548.5(TSC2):c.2545+26G>A

Gene: TSC2 (TSC complex subunit 2; plus strand). Cytogenetic location: 16p13.3.
Variant type: single nucleotide variant.
Coding change: c.2545+26G>A on transcript NM_000548.5 (MANE Select); 26 bases into the intron after coding-DNA position 2545, G replaced by A.
Molecular consequence: intron variant.
Genome position (GRCh38, 1-based): chr16:2,074,415, G>A. VCF-style: chr16-2074415-G-A. GRCh37 (hg19) VCF-style: chr16-2124416-G-A.
Other names: c.2545+26G>A (NM_000548.4, NM_001114382.3, NM_021055.3 and 4 more transcripts); c.2434+26G>A (NM_001318827.2); c.1945+26G>A (NM_001318831.2); c.2398+26G>A (NM_001318829.2); c.2578+26G>A (NM_001318832.2).
Identifiers: ClinVar variation 49626 (VCV000049626.84), dbSNP rs45517242, ClinGen allele CA017598.